The following is an entry in ClinVar:

ClinVar aggregate classification (germline): Likely pathogenic. Review status: criteria provided, single submitter (1 of 4 stars). 2 submissions from 2 submitters: Likely pathogenic (1). 1 of the submissions does not count toward it. Last evaluated 2025-08-12.

Conditions:
TGM6-related disorder. Also called: TGM6-related condition.
Spinocerebellar ataxia type 35. Identifiers: Orphanet 276193, MedGen C3888031, MONDO:0013485, OMIM 613908.

Allele frequency attached by ClinVar (database versions not stated): gnomAD 0.00004 and 0.00003; gnomAD exomes 0.00001 and 0.00002; ESP Exome Variant Server 0.00008; TOPMed 0.00004; ExAC 0.00001.
gnomAD v4.1: 24 of 1,614,108 alleles (0.0015%); highest among the groups gnomAD compares: East Asian, 0.0067%; no homozygotes.

Submissions (2):

3billion
Classification: Likely pathogenic for TGM6-related disorder. Last evaluated: 2025-08-12. Review status: criteria provided, single submitter. Criteria: ACMG Guidelines, 2015. Collection method: clinical testing. Allele origin: germline. Affected: yes.
Comment: The variant is observed at an extremely low frequency in the gnomAD v4.1.0 dataset (total allele frequency: 0.001%). Predicted Consequence/Location: Missense variant. The majority of the known disease-causing variants of this gene are variants expected to result in premature termination of the protein. Functional studies provide moderate evidence of the variant having a damaging effect on the gene or gene product (PMID: 25253745). In silico tool predictions suggest damaging effect of the variant on gene or gene product [REVEL: 0.86 (>=0.6, sensitivity 0.68 and specificity 0.92)]. The same nucleotide change resulting in the same amino acid change has been previously reported to be associated with TGM6-related disorder (ClinVar ID: VCV000190253 /PMID: 25253745). Therefore, this variant is classified as Likely pathogenic according to the recommendation of ACMG/AMP guideline.

OMIM
Classification: Pathogenic for SPINOCEREBELLAR ATAXIA 35. Last evaluated: 2014-10-21. Review status: no assertion criteria provided. Collection method: literature only. Allele origin: germline. Not counted in ClinVar's aggregate classification.

Literature cited by the submitters: PubMed 25253745 (cited by 3billion and OMIM).

NM_198994.3(TGM6):c.331C>T (p.Arg111Cys)

Gene: TGM6 (transglutaminase 6; plus strand). Cytogenetic location: 20p13.
Variant type: single nucleotide variant.
Coding change: c.331C>T on transcript NM_198994.3 (MANE Select); coding-DNA position 331, C replaced by T.
Protein change: p.Arg111Cys; replaces arginine 111 with cysteine.
Molecular consequence: missense variant.
Genome position (GRCh38, 1-based): chr20:2,395,343, C>T. VCF-style: chr20-2395343-C-T. GRCh37 (hg19) VCF-style: chr20-2375989-C-T.
Other names: TGM6, ARG111CYS (rs372250159); c.331C>T, p.Arg111Cys (NM_001254734.2); short protein forms R111C.
Identifiers: ClinVar variation 190253 (VCV000190253.2), dbSNP rs372250159, ClinGen allele CA274770.